The following is an entry in ClinVar:

NM_018076.5(ODAD2):c.63C>T (p.Leu21=)

Genes: ODAD2 (outer dynein arm docking complex subunit 2; minus strand), LOC126860891 (CDK7 strongly-dependent group 2 enhancer GRCh37_chr10:28283413-28284612; plus strand). Cytogenetic location: 10p12.1.
Variant type: single nucleotide variant.
Coding change: c.63C>T on transcript NM_018076.5 (MANE Select); coding-DNA position 63, C replaced by T.
Protein change: p.Leu21=; no amino-acid change (leucine 21 retained).
Molecular consequence: synonymous variant.
Genome position (GRCh38, 1-based): chr10:27,995,080, G>A on the plus strand (C>T on the coding strand, the complement: ODAD2 is on the minus strand). VCF-style: chr10-27995080-G-A. GRCh37 (hg19) VCF-style: chr10-28284009-G-A.
Other names: c.63C>T, p.Leu21= (NM_001290020.2).
Identifiers: ClinVar variation 2721701 (VCV002721701.10), dbSNP rs771055913, ClinGen allele CA5453907.

ClinVar aggregate classification (germline): Likely benign. Review status: criteria provided, multiple submitters, no conflicts (2 of 4 stars). 2 submissions from 2 submitters: Likely benign (2). Last evaluated 2026-01-21.

Conditions:
Primary ciliary dyskinesia 23 (CILD23). Also called: CILIARY DYSKINESIA, PRIMARY, 23, WITH OR WITHOUT SITUS INVERSUS. Identifiers: Orphanet 244, MedGen C3809548, MONDO:0014193, OMIM 615451.

Allele frequency attached by ClinVar (database versions not stated): TOPMed 0.00002; gnomAD 0.00003; gnomAD exomes 0.00003; ExAC 0.00004.
gnomAD v4.1: 51 of 1,613,884 alleles (0.0032%); highest among the groups gnomAD compares: Non-Finnish European, 0.0034%; no homozygotes.

Submissions (2):

Labcorp Genetics (formerly Invitae), Labcorp
Classification: Likely benign for Primary ciliary dyskinesia 23. Last evaluated: 2026-01-21. Review status: criteria provided, single submitter. Criteria: Invitae Variant Classification Sherloc (09022015). Collection method: clinical testing. Allele origin: germline.

CeGaT Center for Human Genetics Tuebingen
Classification: Likely benign. Last evaluated: 2025-09-01. Review status: criteria provided, single submitter. Criteria: CeGaT Center For Human Genetics Tuebingen Variant Classification Criteria Version 2. Collection method: clinical testing. Allele origin: germline. Affected: yes. Observed: 2 variant alleles.
Comment: ODAD2: BP4, BP7